The following is an entry in ClinVar:

ClinVar aggregate classification (germline): Pathogenic/Likely pathogenic. Review status: criteria provided, multiple submitters, no conflicts (2 of 4 stars). 2 submissions from 2 submitters: Pathogenic (1); Likely pathogenic (1). Last evaluated 2024-02-20.

Conditions:
Pretibial dystrophic epidermolysis bullosa. Also called: Pretibial blistering; Pretibial epidermolysis bullosa; EPIDERMOLYSIS BULLOSA DYSTROPHICA, PRETIBIAL. Identifiers: Orphanet 79410, MedGen C0432321, MONDO:0007552, OMIM 131850, HP:0012221.
Dominant dystrophic epidermolysis bullosa with absence of skin. Also called: EPIDERMOLYSIS BULLOSA DYSTROPHICA, BART TYPE; EPIDERMOLYSIS BULLOSA WITH CONGENITAL LOCALIZED ABSENCE OF SKIN AND DEFORMITY OF NAILS. Identifiers: MedGen C0268371, MONDO:0007557, OMIM 132000.
Transient bullous dermolysis of the newborn (TBDN). Also called: DYSTROPHIC EPIDERMOLYSIS BULLOSA, NEONATAL; EPIDERMOLYSIS BULLOSA DYSTROPHICA, NEONATAL FORM. Identifiers: Orphanet 79411, MedGen C1851573, MONDO:0007548, OMIM 131705.
Recessive dystrophic epidermolysis bullosa (RDEB). Also called: DYSTROPHIC EPIDERMOLYSIS BULLOSA, AUTOSOMAL RECESSIVE; EPIDERMOLYSIS BULLOSA DYSTROPHICA, HALLOPEAU-SIEMENS TYPE; EPIDERMOLYSIS BULLOSA DYSTROPHICA, GENERALIZED SEVERE, AUTOSOMAL RECESSIVE; severe generalized recessive dystrophic epidermolysis bullosa; epidermolysis bullosa dystrophica, autosomal recessive; Recessive DEB (RDEB). Identifiers: Orphanet 79408, Orphanet 79409, MedGen C0079474, MONDO:0009179, OMIM 226600.
Epidermolysis bullosa pruriginosa. Also called: DEB, PRURIGINOSA; DYSTROPHIC EPIDERMOLYSIS BULLOSA PRURIGINOSA. Identifiers: Orphanet 89843, MedGen C1275114, MONDO:0011398, OMIM 604129.
Nonsyndromic congenital nail disorder 8. Also called: TOENAIL DYSTROPHY, ISOLATED. Identifiers: MedGen C1843761, MONDO:0011852, OMIM 607523.
Generalized dominant dystrophic epidermolysis bullosa (DDEB). Also called: Dominant DEB (DDEB); DDEB, generalized; DDEB-gen; DYSTROPHIC EPIDERMOLYSIS BULLOSA, AUTOSOMAL DOMINANT; Epidermolysis bullosa dystrophica, autosomal dominant. Identifiers: Orphanet 231568, MedGen C0432322, MONDO:0007549, OMIM 131750.

Allele frequency attached by ClinVar (database versions not stated): gnomAD exomes below 0.00001.
gnomAD v4.1: 3 of 1,553,542 alleles (0.00019%); highest among the groups gnomAD compares: Non-Finnish European, 0.00017%; no homozygotes.

Submissions (2):

Fulgent Genetics
Classification: Likely pathogenic for Transient bullous dermolysis of the newborn; Generalized dominant dystrophic epidermolysis bullosa; Pretibial dystrophic epidermolysis bullosa; Dominant dystrophic epidermolysis bullosa with absence of skin; Recessive dystrophic epidermolysis bullosa; Epidermolysis bullosa pruriginosa; Nonsyndromic congenital nail disorder 8. Last evaluated: 2024-02-20. Review status: criteria provided, single submitter. Criteria: ACMG Guidelines, 2015. Collection method: clinical testing. Allele origin: germline.

GeneDx
Classification: Pathogenic. Last evaluated: 2016-08-16. Review status: criteria provided, single submitter. Criteria: GeneDx Variant Classification (06012015). Collection method: clinical testing. Allele origin: germline. Affected: yes.
Comment: The R20X pathogenic variant in the COL7A1 gene has been reported previously during prenatal diagnosis for epidermolysis bullosa, however, the clinically unaffected child was not found to harbor the variant after birth (Pfendner et al., 2003). This variant is predicted to cause loss of normal protein function either through protein truncation or nonsense-mediated mRNA decay. It was not observed in approximately 6,300 individuals of European and African American ancestry in the NHLBI Exome Sequencing Project, indicating it is not a common benign variant in these populations. Additionally, functional studies of the R20X variant has shown that it results in absent expression of the COL7A1 protein (Cogan et al., 2014). We interpret R20X as a pathogenic variant.

NM_000094.4(COL7A1):c.58C>T (p.Arg20Ter)

Gene: COL7A1 (collagen type VII alpha 1 chain; minus strand). Cytogenetic location: 3p21.31.
Variant type: single nucleotide variant.
Coding change: c.58C>T on transcript NM_000094.4 (MANE Select); coding-DNA position 58, C replaced by T.
Protein change: p.Arg20Ter; replaces arginine 20 with a stop codon.
Molecular consequence: nonsense.
Genome position (GRCh38, 1-based): chr3:48,595,102, G>A on the plus strand (C>T on the coding strand, the complement: COL7A1 is on the minus strand). VCF-style: chr3-48595102-G-A. GRCh37 (hg19) VCF-style: chr3-48632535-G-A.
Other names: short protein forms R20*.
Identifiers: ClinVar variation 265469 (VCV000265469.3), dbSNP rs886039562, ClinGen allele CA10588369.